The following is an entry in ClinVar:

ClinVar aggregate classification (germline): Uncertain significance. Review status: criteria provided, multiple submitters, no conflicts (2 of 4 stars). 2 submissions from 2 submitters: Uncertain significance (2). Last evaluated 2022-06-12.

Conditions:
Cholestanol storage disease (CTX). Also called: CEREBRAL CHOLESTERINOSIS; CTX: Cerebrotendinous xanthomatosis; Cerebrotendinous Xanthomatosis. Identifiers: Orphanet 909, MedGen C0238052, MONDO:0008948, OMIM 213700.
Cardiovascular phenotype. Identifiers: MedGen CN230736.

Allele frequency attached by ClinVar (database versions not stated): gnomAD exomes below 0.00001.
gnomAD v4.1: 1 of 1,614,168 alleles (0.000062%); highest among the groups gnomAD compares: Non-Finnish European, 0.000085%; no homozygotes.

Submissions (2):

Ambry Genetics
Classification: Uncertain significance for Cardiovascular phenotype. Last evaluated: 2022-06-12. Review status: criteria provided, single submitter. Criteria: Ambry Variant Classification Scheme 2023. Collection method: clinical testing. Allele origin: germline.
Comment: The p.L157P variant (also known as c.470T>C), located in coding exon 3 of the CYP27A1 gene, results from a T to C substitution at nucleotide position 470. The leucine at codon 157 is replaced by proline, an amino acid with similar properties. This amino acid position is conserved. In addition, this alteration is predicted to be deleterious by in silico analysis. Since supporting evidence is limited at this time, the clinical significance of this alteration remains unclear.

Labcorp Genetics (formerly Invitae), Labcorp
Classification: Uncertain significance for Cholestanol storage disease. Last evaluated: 2021-08-28. Review status: criteria provided, single submitter. Criteria: Invitae Variant Classification Sherloc (09022015). Collection method: clinical testing. Allele origin: germline.
Comment: This sequence change replaces leucine with proline at codon 157 of the CYP27A1 protein (p.Leu157Pro). The leucine residue is highly conserved and there is a moderate physicochemical difference between leucine and proline. This variant is not present in population databases (ExAC no frequency). This variant has not been reported in the literature in individuals affected with CYP27A1-related conditions. Algorithms developed to predict the effect of missense changes on protein structure and function are either unavailable or do not agree on the potential impact of this missense change (SIFT: "Deleterious"; PolyPhen-2: "Probably Damaging"; Align-GVGD: "Class C0"). In summary, the available evidence is currently insufficient to determine the role of this variant in disease. Therefore, it has been classified as a Variant of Uncertain Significance.

NM_000784.4(CYP27A1):c.470T>C (p.Leu157Pro)

Gene: CYP27A1 (cytochrome P450 family 27 subfamily A member 1; plus strand). Cytogenetic location: 2q35.
Variant type: single nucleotide variant.
Coding change: c.470T>C on transcript NM_000784.4 (MANE Select); coding-DNA position 470, T replaced by C.
Protein change: p.Leu157Pro; replaces leucine 157 with proline.
Molecular consequence: missense variant.
Genome position (GRCh38, 1-based): chr2:218,812,245, T>C. VCF-style: chr2-218812245-T-C. GRCh37 (hg19) VCF-style: chr2-219676968-T-C.
Other names: short protein forms L157P.
Identifiers: ClinVar variation 1440293 (VCV001440293.7), dbSNP rs1270373689, ClinGen allele CA350584816.